The following is an entry in ClinVar:

NM_016373.4:c.517-11252_606-17640del

Gene: WWOX (WW domain containing oxidoreductase; plus strand). Cytogenetic location: 16q23.1.
Variant type: Deletion.
Other names: c.517-11252_606-17640del (NM_016373.4).
Identifiers: ClinVar variation 1810421 (VCV001810421.3).

ClinVar aggregate classification (germline): Pathogenic. Review status: criteria provided, single submitter (1 of 4 stars). 2 submissions from 2 submitters: Pathogenic (1). 1 of the submissions does not count toward it. Last evaluated 2024-09-20.

Conditions:
Developmental and epileptic encephalopathy, 28 (DEE28). Also called: Epileptic encephalopathy, early infantile, 28. Identifiers: Orphanet 442835, MedGen C4015519, MONDO:0014533, OMIM 616211.

Submissions (2):

Kids Research, The Children's Hospital at Westmead
Classification: Pathogenic for Developmental and epileptic encephalopathy, 28. Last evaluated: 2024-09-20. Review status: criteria provided, single submitter. Criteria: ACMG Guidelines, 2015. Collection method: research. Allele origin: germline. Affected: yes.
Comment: PVS1, PM2, PM3

Undiagnosed Diseases Network, NIH
Classification: Pathogenic for Developmental and epileptic encephalopathy, 28. Last evaluated: 2022-07-08. Review status: no assertion criteria provided. Collection method: clinical testing. Allele origin: paternal. Affected: yes. Observed: 1 variant allele, 1 compound heterozygote. Study: Undiagnosed Diseases Network (NIH), UDN. Not counted in ClinVar's aggregate classification.
Comment: VARIANT DETAILS Similar but not exactly same deletions in the WWOX gene have been described as pathogenic in ClinVar (ID: 687407, 625676). This variant has not been observed in gnomAD or DGV gold standard variants. This variant is predicted to cause an out-of-frame deletion of exon 6 of the WWOX gene. This deletion is predicted to be deleterious.